The following is an entry in ClinVar:

ClinVar aggregate classification (germline): Uncertain significance (1 of 4 stars; one submission).

Conditions:
Inborn genetic diseases. Identifiers: MedGen C0950123, MeSH D030342.

Submission:

Ambry Genetics
Classification: Uncertain significance for Inborn genetic diseases. Last evaluated: 2024-12-20. Review status: criteria provided, single submitter. Criteria: Ambry Variant Classification Scheme 2023. Collection method: clinical testing. Allele origin: germline.
Comment: The p.K393N variant (also known as c.1179G>C), located in coding exon 1 of the SAMD9 gene, results from a G to C substitution at nucleotide position 1179. The lysine at codon 393 is replaced by asparagine, an amino acid with similar properties. This amino acid position is conserved. In addition, this alteration is predicted to be tolerated by in silico analysis. Based on the available evidence, the clinical significance of this variant remains unclear.

NM_017654.4(SAMD9):c.1179G>C (p.Lys393Asn)

Gene: SAMD9 (sterile alpha motif domain containing 9; minus strand). Cytogenetic location: 7q21.2.
Variant type: single nucleotide variant.
Coding change: c.1179G>C on transcript NM_017654.4 (MANE Select); coding-DNA position 1179, G replaced by C.
Protein change: p.Lys393Asn; replaces lysine 393 with asparagine.
Molecular consequence: missense variant.
Genome position (GRCh38, 1-based): chr7:93,104,919, C>G on the plus strand (G>C on the coding strand, the complement: SAMD9 is on the minus strand). VCF-style: chr7-93104919-C-G. GRCh37 (hg19) VCF-style: chr7-92734232-C-G.
Other names: c.1179G>C, p.Lys393Asn (NM_001193307.2); short protein forms K393N.
Identifiers: ClinVar variation 3791929 (VCV003791929.1).